The following is an entry in ClinVar:

NM_213599.3(ANO5):c.*3350T>G

Gene: ANO5 (anoctamin 5; plus strand). Cytogenetic location: 11p14.3.
Variant type: single nucleotide variant.
Coding change: c.*3350T>G on transcript NM_213599.3 (MANE Select); 3350 bases downstream of the stop codon, T replaced by G.
Molecular consequence: 3 prime UTR variant.
Genome position (GRCh38, 1-based): chr11:22,283,115, T>G. VCF-style: chr11-22283115-T-G. GRCh37 (hg19) VCF-style: chr11-22304661-T-G.
Other names: c.*3350T>G (NM_001142649.2).
Identifiers: ClinVar variation 304168 (VCV000304168.7), dbSNP rs144806967, ClinGen allele CA10630659.

ClinVar aggregate classification (germline): Likely benign. Review status: criteria provided, multiple submitters, no conflicts (2 of 4 stars). 2 submissions from 2 submitters: Likely benign (2). Last evaluated 2021-09-16.

Conditions:
ANO5-Related Muscle Diseases. Identifiers: MedGen CN180644.

Allele frequency attached by ClinVar (database versions not stated): gnomAD 0.00723 and 0.00666; TOPMed 0.00805; 1000 Genomes Project 30x 0.00578; 1000 Genomes Project 0.00619.

Submissions (2):

GeneDx
Classification: Likely benign. Last evaluated: 2021-09-16. Review status: criteria provided, single submitter. Criteria: GeneDx Variant Classification Process June 2021. Collection method: clinical testing. Allele origin: germline. Affected: yes.

Illumina Laboratory Services, Illumina
Classification: Likely benign for ANO5-Related Muscle Diseases. Last evaluated: 2018-01-12. Review status: criteria provided, single submitter. Criteria: ICSL Variant Classification Criteria 13 December 2019. Collection method: clinical testing. Allele origin: germline.
Comment: This variant was observed in the ICSL laboratory as part of a predisposition screen in an ostensibly healthy population. It had not been previously curated by ICSL or reported in the Human Gene Mutation Database (HGMD: prior to June 1st, 2018), and was therefore a candidate for classification through an automated scoring system. Utilizing variant allele frequency, disease prevalence and penetrance estimates, and inheritance mode, an automated score was calculated to assess if this variant is too frequent to cause the disease. Based on the score and internal cut-off values, a variant classified as likely benign is not then subjected to further curation. The score for this variant resulted in a classification of likely benign for this disease.